The following is an entry in ClinVar:

NM_000218.3(KCNQ1):c.1140G>T (p.Arg380Ser)

Gene: KCNQ1 (potassium voltage-gated channel subfamily Q member 1; plus strand). Cytogenetic location: 11p15.5.
Variant type: single nucleotide variant.
Coding change: c.1140G>T on transcript NM_000218.3 (MANE Select); coding-DNA position 1140, G replaced by T.
Protein change: p.Arg380Ser; replaces arginine 380 with serine.
Molecular consequence: missense variant.
Genome position (GRCh38, 1-based): chr11:2,587,581, G>T. VCF-style: chr11-2587581-G-T. GRCh37 (hg19) VCF-style: chr11-2608811-G-T.
Other names: c.1140G>T (LRG_287t1); c.1044G>T, p.Arg348Ser (NM_001406836.1); c.870G>T, p.Arg290Ser (NM_001406837.1); c.600G>T, p.Arg200Ser (NM_001406838.1); c.759G>T, p.Arg253Ser (NM_181798.2); short protein forms R380S, R253S, R348S, R200S, R290S.
Identifiers: ClinVar variation 52964 (VCV000052964.13), dbSNP rs199472771, ClinGen allele CA005394.
Genomic context (GRCh38, chr11:2,587,581, plus strand): 5'-CCGCCGGGTGGCTCAGCAGGTGACAGCCTGTCCCCCTGCCCGACCTCAGACCGCATGGAG[G>T]TGCTATGCTGCCGAGAACCCCGACTCCTCCACCTGGAAGATCTACATCCGGAAGGCCCCC-3'
Protein context (NP_000209.2, residues 370-390): AAASLIQTAW[Arg380Ser]CYAAENPDSS

ClinVar aggregate classification (germline): Pathogenic/Likely pathogenic. Review status: criteria provided, multiple submitters, no conflicts (2 of 4 stars). 4 submissions from 4 submitters: Pathogenic (2); Likely pathogenic (1). 1 of the submissions does not count toward it. Last evaluated 2024-08-11.

Conditions:
Cardiovascular phenotype. Identifiers: MedGen CN230736.
Familial long QT syndrome (RWS). Also called: Congenital long QT syndrome; Romano-Ward syndrome; VENTRICULAR FIBRILLATION WITH PROLONGED QT INTERVAL. Identifiers: Orphanet 768, MedGen C1141890, MONDO:0019171.
Long QT syndrome (LQTS). Identifiers: MedGen C0023976, MeSH D008133, MONDO:0002442. Disease mechanism: loss of function. Inheritance: Various modes of inheritance.
Long QT syndrome 1 (LQT1). Identifiers: Orphanet 101016, Orphanet 768, MedGen C4551647, MONDO:0100316, OMIM 192500, MONDO:0008646.

Submissions (4):

Labcorp Genetics (formerly Invitae), Labcorp
Classification: Pathogenic for Long QT syndrome. Last evaluated: 2024-08-11. Review status: criteria provided, single submitter. Criteria: Invitae Variant Classification Sherloc (09022015). Collection method: clinical testing. Allele origin: germline.
Comment: This sequence change replaces arginine, which is basic and polar, with serine, which is neutral and polar, at codon 380 of the KCNQ1 protein (p.Arg380Ser). This variant is not present in population databases (gnomAD no frequency). This missense change has been observed in individual(s) with long QT syndrome (PMID: 15840476, 26344792; Invitae). In at least one individual the variant was observed to be de novo. ClinVar contains an entry for this variant (Variation ID: 52964). Advanced modeling of protein sequence and biophysical properties (such as structural, functional, and spatial information, amino acid conservation, physicochemical variation, residue mobility, and thermodynamic stability) performed at Invitae indicates that this missense variant is expected to disrupt KCNQ1 protein function with a positive predictive value of 95%. Experimental studies have shown that this missense change affects KCNQ1 function (PMID: 24190995, 26344792). This variant disrupts the p.Arg380 amino acid residue in KCNQ1. Other variant(s) that disrupt this residue have been observed in individuals with KCNQ1-related conditions (PMID: 19841298; Invitae), which suggests that this may be a clinically significant amino acid residue. For these reasons, this variant has been classified as Pathogenic.

Molecular Genetics Laboratory - Cardiogenetics, CHU de Nantes
Classification: Pathogenic for Long QT syndrome 1. Last evaluated: 2023-08-01. Review status: criteria provided, single submitter. Criteria: ACMG Guidelines, 2015. Collection method: clinical testing. Allele origin: germline. Affected: yes.

Ambry Genetics
Classification: Likely pathogenic for Cardiovascular phenotype. Last evaluated: 2019-03-20. Review status: criteria provided, single submitter. Criteria: Ambry Variant Classification Scheme 2023. Collection method: clinical testing. Allele origin: germline.
Comment: The p.R380S variant (also known as c.1140G>T), located in coding exon 9 of the KCNQ1 gene, results from a G to T substitution at nucleotide position 1140. The arginine at codon 380 is replaced by serine, an amino acid with dissimilar properties. This alteration has been detected in unrelated individuals reported to have long QT syndrome (Tester DJ et al. Heart Rhythm. 2005;2:507-17; Giudicessi JR et al. Circ Cardiovasc Genet. 2012;5:519-28; Zhou H et al. Cardiol Young. 2016;26:754-63). In vitro studies have reported this alteration to result in altered ion channel function and ATP sensitivity (Li Y et al. Proc Natl Acad Sci. U.S.A. 2013;110:18922-7; Zhou H et al. Cardiol Young. 2016;26:754-63). In addition, another alteration affecting this amino acid (p.R380G, c.1138A>G) has been reported in association with prolonged QTc interval (Schwartz PJ et al. Circulation, 2009 Nov;120:1761-7). This amino acid position is highly conserved in available vertebrate species. In addition, this alteration is predicted to be deleterious by in silico analysis. Based on the majority of available evidence to date, this variant is likely to be pathogenic.

Cardiovascular Biomedical Research Unit, Royal Brompton & Harefield NHS Foundation Trust
No classification provided. Condition: Familial long QT syndrome. Review status: no classification provided. Collection method: literature only. Allele origin: germline. Not counted in ClinVar's aggregate classification.
Comment: This variant has been reported as associated with Long QT syndrome in the following publications (PMID:15840476;PMID:19841300). This is a literature report, and does not necessarily reflect the clinical interpretation of the Imperial College / Royal Brompton Cardiovascular Genetics laboratory.

Literature cited by the submitters: PubMed 15840476 (cited by 3 submitters); PubMed 26344792 (cited by Labcorp Genetics (formerly Invitae), Labcorp and Ambry Genetics); PubMed 24190995 (cited by Labcorp Genetics (formerly Invitae), Labcorp and Ambry Genetics); PubMed 19841298 (cited by Labcorp Genetics (formerly Invitae), Labcorp and Ambry Genetics); PubMed 22949429 (cited by Ambry Genetics); PubMed 19841300 (cited by Cardiovascular Biomedical Research Unit, Royal Brompton & Harefield NHS Foundation Trust); PubMed 22581653 (cited by Cardiovascular Biomedical Research Unit, Royal Brompton & Harefield NHS Foundation Trust).